The following is an entry in ClinVar:

ClinVar aggregate classification (germline): Conflicting classifications of pathogenicity. Review status: criteria provided, conflicting classifications (1 of 4 stars). 4 submissions from 4 submitters: Likely pathogenic (3); Uncertain significance (1). Last evaluated 2025-08-18.

Conditions:
Mucopolysaccharidosis, MPS-II (MPS2). Also called: Attenuated MPS (subtype; formerly known as mild MPS II); Severe MPS II; I2S deficiency; MPS 2; Hunter Syndrome; IDURONATE 2-SULFATASE DEFICIENCY. Identifiers: Orphanet 580, Orphanet 79388, MedGen C0026705, MONDO:0010674, OMIM 309900.

Submissions (4):

Women's Health and Genetics/Laboratory Corporation of America, LabCorp
Classification: Likely pathogenic for Mucopolysaccharidosis, MPS-II. Last evaluated: 2025-08-18. Review status: criteria provided, single submitter. Criteria: LabCorp Variant Classification Summary - May 2015. Collection method: clinical testing. Allele origin: germline.
Comment: Variant summary: IDS c.796C>T (p.Pro266Ser) results in a non-conservative amino acid change in the encoded protein sequence. Algorithms developed to predict the effect of missense changes on protein structure and function all suggest that this variant is likely to be disruptive. Other variation at the same amino acid (c.797C>A, p.Pro266His; c.797C>G, p.Pro266Arg) possibly support a critical relevance of this residue to IDS protein function. The variant was absent in 183191 control chromosomes. The available data on variant occurrences in the general population are insufficient to allow any conclusion about variant significance. c.796C>T has been observed in at least one instance of a positive newborn screen (NBS) for Mucopolysaccharidosis Type II (Hunter Syndrome) (LCG internal data). Personal correspondence with another laboratory reports experimental evidence evaluating an impact on protein function. The most pronounced variant effect results in <10% of normal activity (Personal correspondence/internal data). ClinVar contains an entry for this variant (Variation ID: 3619927). Based on the evidence outlined above, the variant was classified as likely pathogenic.

Variantyx, Inc.
Classification: Likely pathogenic for Mucopolysaccharidosis, MPS-II. Last evaluated: 2025-08-14. Review status: criteria provided, single submitter. Criteria: Variantyx Assertion Criteria 2022. Collection method: clinical testing. Allele origin: maternal. Inheritance: X-linked recessive inheritance.
Comment: This is a nonsynonymous variant in the IDS gene (OMIM: 300823). Pathogenic variants in this gene have been associated with X-linked mucopolysaccharidosis type II. The clinical symptoms reported for this individual are highly specific for X-linked mucopolysaccharidosis type II, which has a limited genetic etiology (PMID: 20301451) (PP4). An alternate amino acid change at this position (p.Pro266His) has been previously reported in at least one affected individual, which suggests that this residue is biologically important (PMID: 10215411) (PM5). Multiple computational algorithms predict a deleterious effect for this variant (REVEL score: 0.866) (PP3). This variant is absent from control populations (PM2). Based on the current evidence, this variant is classified as likely pathogenic for X-linked mucopolysaccharidosis type II.

Revvity Omics, Revvity
Classification: Uncertain significance for Mucopolysaccharidosis, MPS-II. Last evaluated: 2025-05-29. Review status: criteria provided, single submitter. Criteria: ACMG Guidelines, 2015. Collection method: clinical testing. Allele origin: germline.

Labcorp Genetics (formerly Invitae), Labcorp
Classification: Likely pathogenic for Mucopolysaccharidosis, MPS-II. Last evaluated: 2024-07-30. Review status: criteria provided, single submitter. Criteria: Invitae Variant Classification Sherloc (09022015). Collection method: clinical testing. Allele origin: germline.
Comment: This sequence change replaces proline, which is neutral and non-polar, with serine, which is neutral and polar, at codon 266 of the IDS protein (p.Pro266Ser). This variant is not present in population databases (gnomAD no frequency). This missense change has been observed in individual(s) with clinical features of mucopolysaccharidosis II (Invitae). Advanced modeling of protein sequence and biophysical properties (such as structural, functional, and spatial information, amino acid conservation, physicochemical variation, residue mobility, and thermodynamic stability) performed at Invitae indicates that this missense variant is expected to disrupt IDS protein function with a positive predictive value of 80%. This variant disrupts the p.Pro266 amino acid residue in IDS. Other variant(s) that disrupt this residue have been observed in individuals with IDS-related conditions (PMID: 9875019, 10215411, 31877959), which suggests that this may be a clinically significant amino acid residue. In summary, the currently available evidence indicates that the variant is pathogenic, but additional data are needed to prove that conclusively. Therefore, this variant has been classified as Likely Pathogenic.

Literature cited by the submitters: PubMed 10215411 (cited by Variantyx, Inc. and Labcorp Genetics (formerly Invitae), Labcorp); PubMed 20301451 (cited by Variantyx, Inc.); PubMed 9875019 (cited by Labcorp Genetics (formerly Invitae), Labcorp); PubMed 31877959 (cited by Labcorp Genetics (formerly Invitae), Labcorp).

NM_000202.8(IDS):c.796C>T (p.Pro266Ser)

Genes: IDS (iduronate 2-sulfatase; minus strand), LOC106050102 (IDS recombination region; plus strand). Cytogenetic location: Xq28.
Variant type: single nucleotide variant.
Coding change: c.796C>T on transcript NM_000202.8 (MANE Select); coding-DNA position 796, C replaced by T.
Protein change: p.Pro266Ser; replaces proline 266 with serine.
Molecular consequence: missense variant. On other transcripts: non-coding transcript variant (1).
Genome position (GRCh38, 1-based): chrX:149,496,429, G>A on the plus strand (C>T on the coding strand, the complement: IDS is on the minus strand). VCF-style: chrX-149496429-G-A. GRCh37 (hg19) VCF-style: chrX-148577960-G-A.
Other names: c.526C>T, p.Pro176Ser (NM_001166550.4); c.796C>T, p.Pro266Ser (NM_006123.5); short protein forms P176S, P266S.
Identifiers: ClinVar variation 3619927 (VCV003619927.5).